The following is an entry in ClinVar:

NM_000048.4(ASL):c.1045G>A (p.Val349Ile)

Gene: ASL (argininosuccinate lyase; plus strand). Cytogenetic location: 7q11.21.
Variant type: single nucleotide variant.
Coding change: c.1045G>A on transcript NM_000048.4 (MANE Select); coding-DNA position 1045, G replaced by A.
Protein change: p.Val349Ile; replaces valine 349 with isoleucine.
Molecular consequence: missense variant.
Genome position (GRCh38, 1-based): chr7:66,089,678, G>A. VCF-style: chr7-66089678-G-A. GRCh37 (hg19) VCF-style: chr7-65554665-G-A.
Other names: c.1045G>A, p.Val349Ile (NM_001024943.2); c.985G>A, p.Val329Ile (NM_001024944.2); c.967G>A, p.Val323Ile (NM_001024946.2); short protein forms V349I, V323I, V329I.
Identifiers: ClinVar variation 572182 (VCV000572182.7), dbSNP rs372774556, ClinGen allele CA4277256.

ClinVar aggregate classification (germline): Uncertain significance. Review status: criteria provided, multiple submitters, no conflicts (2 of 4 stars). 4 submissions from 4 submitters: Uncertain significance (3). 1 of the submissions does not count toward it. Last evaluated 2022-09-01.

Conditions:
Argininosuccinate lyase deficiency. Also called: ARGININOSUCCINIC ACID LYASE DEFICIENCY; ASL DEFICIENCY; Argininosuccinic aciduria. Identifiers: Orphanet 23, MedGen C0268547, MONDO:0008815, OMIM 207900, HP:0025630.
Inborn genetic diseases. Identifiers: MedGen C0950123, MeSH D030342.

Allele frequency attached by ClinVar (database versions not stated): gnomAD 0.00005 and 0.00006; TOPMed 0.00006.
gnomAD v4.1: 31 of 1,613,398 alleles (0.0019%); highest among the groups gnomAD compares: Middle Eastern, 0.066%; no homozygotes.

Submissions (4):

Labcorp Genetics (formerly Invitae), Labcorp
Classification: Uncertain significance for Argininosuccinate lyase deficiency. Last evaluated: 2022-09-01. Review status: criteria provided, single submitter. Criteria: Invitae Variant Classification Sherloc (09022015). Collection method: clinical testing. Allele origin: germline.
Comment: This sequence change replaces valine, which is neutral and non-polar, with isoleucine, which is neutral and non-polar, at codon 349 of the ASL protein (p.Val349Ile). This variant is present in population databases (rs372774556, gnomAD 0.01%). This variant has not been reported in the literature in individuals affected with ASL-related conditions. ClinVar contains an entry for this variant (Variation ID: 572182). Advanced modeling of protein sequence and biophysical properties (such as structural, functional, and spatial information, amino acid conservation, physicochemical variation, residue mobility, and thermodynamic stability) performed at Invitae indicates that this missense variant is not expected to disrupt ASL protein function. In summary, the available evidence is currently insufficient to determine the role of this variant in disease. Therefore, it has been classified as a Variant of Uncertain Significance.

Ambry Genetics
Classification: Uncertain significance for Inborn genetic diseases. Last evaluated: 2021-09-01. Review status: criteria provided, single submitter. Criteria: Ambry Variant Classification Scheme 2023. Collection method: clinical testing. Allele origin: germline.

Genome-Nilou Lab
Classification: Uncertain significance for Argininosuccinate lyase deficiency. Last evaluated: 2021-07-14. Review status: criteria provided, single submitter. Criteria: ACMG Guidelines, 2015. Collection method: clinical testing. Allele origin: germline. Affected: no.

Natera, Inc.
Classification: Uncertain significance for Argininosuccinate lyase deficiency. Last evaluated: 2019-10-28. Review status: no assertion criteria provided. Collection method: clinical testing. Allele origin: germline. Not counted in ClinVar's aggregate classification.